The following is an entry in ClinVar:

ClinVar aggregate classification (germline): Pathogenic (1 of 4 stars; one submission).

Conditions:
Nephronophthisis. Also called: Juvenile Nephronophthisis. Identifiers: Orphanet 655, MedGen C0687120, MONDO:0019005, HP:0000090.

Submission:

Labcorp Genetics (formerly Invitae), Labcorp
Classification: Pathogenic for Nephronophthisis. Last evaluated: 2019-06-04. Review status: criteria provided, single submitter. Criteria: Invitae Variant Classification Sherloc (09022015). Collection method: clinical testing. Allele origin: germline.
Comment: This variant disrupts the C-terminus of the NPHP3 protein. Other variant(s) that disrupt this region (p.Arg1259*) have been determined to be pathogenic (PMID: 21866095, 12872122). This suggests that variants that disrupt this region of the protein are likely to be causative of disease. This variant is a gross deletion of the genomic region encompassing exons 24-27 of the NPHP3 gene. The 5' boundary is likely confined to intron 23. The 3' end of this event is unknown as it extends through the termination codon beyond the assayed region for this gene and may encompass additional genes. While this deletion is not anticipated to result in nonsense mediated decay, it is expected to create a truncated protein product or disrupt mRNA translation. This variant has not been reported in the literature in individuals with NPHP3-related conditions. For these reasons, this variant has been classified as Pathogenic.

Literature cited by the submitters: PubMed 21866095; PubMed 12872122.

NC_000003.12:g.(?_132681890)_(132684814_?)del

Gene: NPHP3 (nephrocystin 3; minus strand). Cytogenetic location: 3q22.1.
Variant type: Deletion.
Identifiers: ClinVar variation 832293 (VCV000832293.7).